The following is an entry in ClinVar:

ClinVar aggregate classification (germline): Uncertain significance. Review status: criteria provided, multiple submitters, no conflicts (2 of 4 stars). 4 submissions from 4 submitters: Uncertain significance (3). 1 of the submissions does not count toward it. Last evaluated 2026-01-01.

Conditions:
Duchenne muscular dystrophy (DMD). Also called: Duchenne Muscular Dystrophy (DMD); MUSCULAR DYSTROPHY, PSEUDOHYPERTROPHIC PROGRESSIVE, DUCHENNE TYPE. Identifiers: Orphanet 98896, MedGen C0013264, MONDO:0010679, OMIM 310200.
Dystrophin deficiency.
Becker muscular dystrophy (BMD). Also called: Becker Muscular Dystrophy (BMD); MUSCULAR DYSTROPHY, PSEUDOHYPERTROPHIC PROGRESSIVE, BECKER TYPE. Identifiers: Orphanet 98895, MedGen C0917713, MONDO:0010311, OMIM 300376.
Cardiomyopathy (CMYO). Also called: Cardiomyopathies. Identifiers: Orphanet 167848, MedGen C0878544, MONDO:0004994, HP:0001638. Inheritance: Various modes of inheritance.

Submissions (4):

CeGaT Center for Human Genetics Tuebingen
Classification: Uncertain significance. Last evaluated: 2026-01-01. Review status: criteria provided, single submitter. Criteria: CeGaT Center For Human Genetics Tuebingen Variant Classification Criteria Version 2. Collection method: clinical testing. Allele origin: germline. Affected: yes. Observed: 1 variant allele.
Comment: DMD: PM2, BP4

Labcorp Genetics (formerly Invitae), Labcorp
Classification: Uncertain significance for Duchenne muscular dystrophy. Last evaluated: 2025-07-02. Review status: criteria provided, single submitter. Criteria: Invitae Variant Classification Sherloc (09022015). Collection method: clinical testing. Allele origin: germline.
Comment: This sequence change replaces leucine, which is neutral and non-polar, with isoleucine, which is neutral and non-polar, at codon 282 of the DMD protein (p.Leu282Ile). This variant is not present in population databases (gnomAD no frequency). This variant has not been reported in the literature in individuals affected with DMD-related conditions. ClinVar contains an entry for this variant (Variation ID: 972161). Invitae Evidence Modeling of protein sequence and biophysical properties (such as structural, functional, and spatial information, amino acid conservation, physicochemical variation, residue mobility, and thermodynamic stability) indicates that this missense variant is not expected to disrupt DMD protein function with a negative predictive value of 95%. In summary, the available evidence is currently insufficient to determine the role of this variant in disease. Therefore, it has been classified as a Variant of Uncertain Significance.

GeneDx
Classification: Uncertain significance. Last evaluated: 2019-11-01. Review status: criteria provided, single submitter. Criteria: GeneDx Variant Classification Process June 2021. Collection method: clinical testing. Allele origin: germline. Affected: yes.
Comment: In silico analysis, which includes protein predictors and evolutionary conservation, supports that this variant does not alter protein structure/function; Has not been previously published as pathogenic or benign to our knowledge

Natera, Inc.
Classification: Uncertain significance for Becker muscular dystrophy; Cardiomyopathy; Duchenne muscular dystrophy; Dystrophin deficiency. Last evaluated: 2021-10-12. Review status: no assertion criteria provided. Collection method: clinical testing. Allele origin: germline. Not counted in ClinVar's aggregate classification.

NM_004006.3(DMD):c.844C>A (p.Leu282Ile)

Gene: DMD (dystrophin; minus strand). Cytogenetic location: Xp21.1.
Variant type: single nucleotide variant.
Coding change: c.844C>A on transcript NM_004006.3 (MANE Select); coding-DNA position 844, C replaced by A.
Protein change: p.Leu282Ile; replaces leucine 282 with isoleucine.
Molecular consequence: missense variant.
Genome position (GRCh38, 1-based): chrX:32,697,986, G>T on the plus strand (C>A on the coding strand, the complement: DMD is on the minus strand). VCF-style: chrX-32697986-G-T. GRCh37 (hg19) VCF-style: chrX-32716103-G-T.
Other names: c.820C>A, p.Leu274Ile (NM_000109.4); c.832C>A, p.Leu278Ile (NM_004009.3); c.475C>A, p.Leu159Ile (NM_004010.3); short protein forms L274I, L159I, L278I, L282I.
Identifiers: ClinVar variation 972161 (VCV000972161.16), dbSNP rs1188593868, ClinGen allele CA412668741.
Genomic context (GRCh38, chrX:32,697,986, plus strand): 5'-TGTAGGCATAGCTCTTGAATCGAGGCTTAGGGGAAGAAGTTCTCTCATATCCCTGTGCTA[G>T]ACTGACCGTGATCTGCAGAGAAGGGTTTGGGGGAGTGGATAGAGAGGAGGGGGAAAAACC-3'
Protein context (NP_003997.2, residues 272-292): MHYSQQITVS[Leu282Ile]AQGYERTSSP